The following is an entry in ClinVar:

NM_015404.4(WHRN):c.1625G>C (p.Arg542Thr)

Gene: WHRN (whirlin; minus strand). Cytogenetic location: 9q32.
Variant type: single nucleotide variant.
Coding change: c.1625G>C on transcript NM_015404.4 (MANE Select); coding-DNA position 1625, G replaced by C.
Protein change: p.Arg542Thr; replaces arginine 542 with threonine.
Molecular consequence: missense variant.
Genome position (GRCh38, 1-based): chr9:114,423,315, C>G on the plus strand (G>C on the coding strand, the complement: WHRN is on the minus strand). VCF-style: chr9-114423315-C-G. GRCh37 (hg19) VCF-style: chr9-117185595-C-G.
Other names: c.476G>C, p.Arg159Thr (NM_001083885.3); c.1625G>C, p.Arg542Thr (NM_001173425.2); c.572G>C, p.Arg191Thr (NM_001346890.1); short protein forms R191T, R159T, R542T.
Identifiers: ClinVar variation 1948901 (VCV001948901.5), dbSNP rs200040563, ClinGen allele CA374606828.

ClinVar aggregate classification (germline): Uncertain significance (1 of 4 stars; one submission).

gnomAD v4.1: 11 of 1,613,830 alleles (0.00068%); highest among the groups gnomAD compares: Non-Finnish European, 0.00093%; no homozygotes.

Submission:

Labcorp Genetics (formerly Invitae), Labcorp
Classification: Uncertain significance. Last evaluated: 2022-03-11. Review status: criteria provided, single submitter. Criteria: Invitae Variant Classification Sherloc (09022015). Collection method: clinical testing. Allele origin: germline.
Comment: In summary, the available evidence is currently insufficient to determine the role of this variant in disease. Therefore, it has been classified as a Variant of Uncertain Significance. Algorithms developed to predict the effect of missense changes on protein structure and function are either unavailable or do not agree on the potential impact of this missense change (SIFT: "Deleterious"; PolyPhen-2: "Probably Damaging"; Align-GVGD: "Class C0"). This variant has not been reported in the literature in individuals affected with WHRN-related conditions. This variant is not present in population databases (gnomAD no frequency). This sequence change replaces arginine, which is basic and polar, with threonine, which is neutral and polar, at codon 542 of the WHRN protein (p.Arg542Thr).